The following is an entry in ClinVar:

NM_033419.5(PGAP3):c.109G>T (p.Glu37Ter)

Gene: PGAP3 (post-GPI attachment to proteins phospholipase 3; minus strand). Cytogenetic location: 17q12.
Variant type: single nucleotide variant.
Coding change: c.109G>T on transcript NM_033419.5 (MANE Select); coding-DNA position 109, G replaced by T.
Protein change: p.Glu37Ter; replaces glutamic acid 37 with a stop codon.
Molecular consequence: nonsense.
Genome position (GRCh38, 1-based): chr17:39,687,906, C>A on the plus strand (G>T on the coding strand, the complement: PGAP3 is on the minus strand). VCF-style: chr17-39687906-C-A. GRCh37 (hg19) VCF-style: chr17-37844159-C-A.
Other names: c.109G>T, p.Glu37Ter (NM_001291726.2, NM_001291728.2, NM_001291730.2 and 2 more transcripts); short protein forms E37*.
Identifiers: ClinVar variation 520887 (VCV000520887.10), dbSNP rs1242562412, ClinGen allele CA399261788.

ClinVar aggregate classification (germline): Pathogenic. Review status: criteria provided, multiple submitters, no conflicts (2 of 4 stars). 3 submissions from 3 submitters: Pathogenic (3). Last evaluated 2026-02-26.

Conditions:
Hyperphosphatasia with impaired intellectual development syndrome 4. Also called: Hyperphosphatasia with intellectual disability syndrome 4; GLYCOSYLPHOSPHATIDYLINOSITOL BIOSYNTHESIS DEFECT 10. Identifiers: Orphanet 247262, MedGen C3810354, MONDO:0014318, OMIM 615716.
Inborn genetic diseases. Identifiers: MedGen C0950123, MeSH D030342.

Allele frequency attached by ClinVar (database versions not stated): TOPMed 0.00002; gnomAD 0.00002.
gnomAD v4.1: 10 of 1,519,102 alleles (0.00066%); highest among the groups gnomAD compares: Non-Finnish European, 0.00089%; no homozygotes.

Submissions (3):

Ambry Genetics
Classification: Pathogenic for Inborn genetic diseases. Last evaluated: 2026-02-26. Review status: criteria provided, single submitter. Criteria: Ambry Variant Classification Scheme 2023. Collection method: clinical testing. Allele origin: germline.
Comment: The c.109G>T (p.E37*) alteration, located in coding exon 1 of the PGAP3 gene, consists of a G to T substitution at nucleotide position 109. This changes the amino acid from a Glutamic acid (E) to a stop codon within coding exon 1. The predicted stop codon occurs in the 5' end of the PGAP3 gene. Premature termination codons in the 5&rsquo; end of a gene have been reported to escape nonsense-mediated mRNA decay and/or lead to re-initiation (Rivas, 2015; Lindeboom, 2016; Rhee, 2017). Direct evidence for this variant is unavailable; however, premature termination codons are typically deleterious in nature. This variant was not reported in population-based cohorts in the Genome Aggregation Database (gnomAD). Based on the available evidence, this alteration is classified as pathogenic.

Labcorp Genetics (formerly Invitae), Labcorp
Classification: Pathogenic. Last evaluated: 2025-06-04. Review status: criteria provided, single submitter. Criteria: Invitae Variant Classification Sherloc (09022015). Collection method: clinical testing. Allele origin: germline.
Comment: This sequence change creates a premature translational stop signal (p.Glu37*) in the PGAP3 gene. It is expected to result in an absent or disrupted protein product. Loss-of-function variants in PGAP3 are known to be pathogenic (PMID: 2443911, 27120253). This variant is present in population databases (no rsID available, gnomAD 0.01%). This variant has not been reported in the literature in individuals affected with PGAP3-related conditions. ClinVar contains an entry for this variant (Variation ID: 520887). For these reasons, this variant has been classified as Pathogenic.

Revvity Omics, Revvity
Classification: Pathogenic for Hyperphosphatasia with impaired intellectual development syndrome 4. Last evaluated: 2019-05-01. Review status: criteria provided, single submitter. Criteria: ACMG Guidelines, 2015. Collection method: clinical testing. Allele origin: germline.

Literature cited by the submitters: PubMed 2443911 (cited by Labcorp Genetics (formerly Invitae), Labcorp); PubMed 27120253 (cited by Labcorp Genetics (formerly Invitae), Labcorp).